The following is an entry in ClinVar:

NM_002519.3(NPAT):c.3618A>C (p.Glu1206Asp)

Gene: NPAT (nuclear protein, coactivator of histone transcription; minus strand). Cytogenetic location: 11q22.3.
Variant type: single nucleotide variant.
Coding change: c.3618A>C on transcript NM_002519.3 (MANE Select); coding-DNA position 3618, A replaced by C.
Protein change: p.Glu1206Asp; replaces glutamic acid 1206 with aspartic acid.
Molecular consequence: missense variant.
Genome position (GRCh38, 1-based): chr11:108,161,468, T>G on the plus strand (A>C on the coding strand, the complement: NPAT is on the minus strand). VCF-style: chr11-108161468-T-G. GRCh37 (hg19) VCF-style: chr11-108032195-T-G.
Other names: c.3639A>C, p.Glu1213Asp (NM_001321307.1); short protein forms E1206D, E1213D.
Identifiers: ClinVar variation 3729324 (VCV003729324.2).
Genomic context (GRCh38, chr11:108,161,468, plus strand): 5'-AGCTGTACCTACTGAAAGTACATTTTTATTGTTTGAAGATGTGCCTTGTTTTTTGGTCAT[T>G]TCTTGCAGTGAAGCTATAGATTTCTCACTTCGCAAACCCCCATTTTGCTGCCCAATAGAT-3'
Protein context (NP_002510.2, residues 1196-1216): RSEKSIASLQ[Glu1206Asp]MTKKQGTSSN

ClinVar aggregate classification (germline): Uncertain significance (1 of 4 stars; one submission).

Submission:

Labcorp Genetics (formerly Invitae), Labcorp
Classification: Uncertain significance. Last evaluated: 2025-01-21. Review status: criteria provided, single submitter. Criteria: Invitae Variant Classification Sherloc (09022015). Collection method: clinical testing. Allele origin: germline.
Comment: This sequence change replaces glutamic acid, which is acidic and polar, with aspartic acid, which is acidic and polar, at codon 1206 of the NPAT protein (p.Glu1206Asp). This variant is not present in population databases (gnomAD no frequency). This variant has not been reported in the literature in individuals affected with NPAT-related conditions. An algorithm developed to predict the effect of missense changes on protein structure and function (PolyPhen-2) suggests that this variant is likely to be disruptive. In summary, the available evidence is currently insufficient to determine the role of this variant in disease. Therefore, it has been classified as a Variant of Uncertain Significance.